The following is an entry in ClinVar:

NM_005045.4(RELN):c.8663T>C (p.Leu2888Pro)

Genes: RELN (reelin; minus strand), SLC26A5-AS1 (SLC26A5 antisense RNA 1; plus strand). Cytogenetic location: 7q22.1.
Variant type: single nucleotide variant.
Coding change: c.8663T>C on transcript NM_005045.4 (MANE Select); coding-DNA position 8663, T replaced by C.
Protein change: p.Leu2888Pro; replaces leucine 2888 with proline.
Molecular consequence: missense variant.
Genome position (GRCh38, 1-based): chr7:103,500,749, A>G on the plus strand (T>C on the coding strand, the complement: RELN is on the minus strand). VCF-style: chr7-103500749-A-G. GRCh37 (hg19) VCF-style: chr7-103141196-A-G.
Other names: c.8663T>C, p.Leu2888Pro (NM_173054.3); short protein forms L2888P.
Identifiers: ClinVar variation 2009466 (VCV002009466.4), dbSNP rs2484709593, ClinGen allele CA368755257.
Genomic context (GRCh38, chr7:103,500,749, plus strand): 5'-TCCTAGGCATGACCCATGATGTGAGTAATGCGTCTTGTCCAGGGCTTTACCCTTACCTTC[A>G]GAGTGTGGGTCAAGTAGCAGTTTGGCCCTGAGTATCCCGGATCACAGATGCACTGTTCCC-3'
Protein context (NP_005036.2, residues 2878-2898): SGPNCYLTHT[Leu2888Pro]KTFLKERFDS

ClinVar aggregate classification (germline): Uncertain significance (1 of 4 stars; one submission).

Conditions:
Norman-Roberts syndrome (LIS2). Also called: Lissencephaly 2 (Norman-Roberts type). Identifiers: Orphanet 89844, MedGen C0796089, MONDO:0009760, OMIM 257320.
Familial temporal lobe epilepsy 7. Identifiers: Orphanet 101046, MedGen C4225327, MONDO:0014639, OMIM 616436.

Submission:

Labcorp Genetics (formerly Invitae), Labcorp
Classification: Uncertain significance for Familial temporal lobe epilepsy 7; Norman-Roberts syndrome. Last evaluated: 2022-06-22. Review status: criteria provided, single submitter. Criteria: Invitae Variant Classification Sherloc (09022015). Collection method: clinical testing. Allele origin: germline.
Comment: This sequence change replaces leucine, which is neutral and non-polar, with proline, which is neutral and non-polar, at codon 2888 of the RELN protein (p.Leu2888Pro). This variant is not present in population databases (gnomAD no frequency). This variant has not been reported in the literature in individuals affected with RELN-related conditions. Algorithms developed to predict the effect of missense changes on protein structure and function are either unavailable or do not agree on the potential impact of this missense change (SIFT: "Deleterious"; PolyPhen-2: "Probably Damaging"; Align-GVGD: "Class C0"). In summary, the available evidence is currently insufficient to determine the role of this variant in disease. Therefore, it has been classified as a Variant of Uncertain Significance.